The following is an entry in ClinVar:

NM_001267550.2(TTN):c.91061C>G (p.Ser30354Ter)

Genes: TTN (titin; minus strand), TTN-AS1 (TTN antisense RNA 1; plus strand). Cytogenetic location: 2q31.2.
Variant type: single nucleotide variant.
Coding change: c.91061C>G on transcript NM_001267550.2 (MANE Select); coding-DNA position 91061, C replaced by G.
Protein change: p.Ser30354Ter; replaces serine 30354 with a stop codon.
Molecular consequence: nonsense.
Genome position (GRCh38, 1-based): chr2:178,551,839, G>C on the plus strand (C>G on the coding strand, the complement: TTN is on the minus strand). VCF-style: chr2-178551839-G-C. GRCh37 (hg19) VCF-style: chr2-179416566-G-C.
Other names: c.86138C>G, p.Ser28713Ter (NM_001256850.1); c.63866C>G, p.Ser21289Ter (NM_003319.4); c.83357C>G, p.Ser27786Ter (NM_133378.4); c.64241C>G, p.Ser21414Ter (NM_133432.3); c.64442C>G, p.Ser21481Ter (NM_133437.4); short protein forms S21289*, S21414*, S21481*, S27786*, S28713*, S30354*.
Identifiers: ClinVar variation 3759067 (VCV003759067.2).
Genomic context (GRCh38, chr2:178,551,839, plus strand): 5'-ACTTTTTGCCAGAGGATGCTATTTCTTTCTTTCTTTTCAACATGGAATCCAGTAACTTCT[G>C]AACCACCATCATAAACTGGAGCATCCCAAGTTAGTGACATGCCATCAGAAGTCACATTGT-3'

ClinVar aggregate classification (germline): Likely pathogenic (1 of 4 stars; one submission).

Conditions:
Dilated cardiomyopathy 1G (CMD1G). Identifiers: Orphanet 154, MedGen C1858763, MONDO:0011400, OMIM 604145.
Autosomal recessive limb-girdle muscular dystrophy type 2J (LGMDR10). Also called: Limb-girdle muscular dystrophy, type 2J; MUSCULAR DYSTROPHY, LIMB-GIRDLE, AUTOSOMAL RECESSIVE 10. Identifiers: Orphanet 140922, MedGen C1837342, MONDO:0012127, OMIM 608807.

Submission:

Labcorp Genetics (formerly Invitae), Labcorp
Classification: Likely pathogenic for Dilated cardiomyopathy 1G; Autosomal recessive limb-girdle muscular dystrophy type 2J. Last evaluated: 2024-09-01. Review status: criteria provided, single submitter. Criteria: Invitae Variant Classification Sherloc (09022015). Collection method: clinical testing. Allele origin: germline.
Comment: This sequence change creates a premature translational stop signal (p.Ser30354*) in the TTN gene. While this is not anticipated to result in nonsense mediated decay, it is expected to create a truncated TTN protein. This variant is not present in population databases (gnomAD no frequency). This premature translational stop signal has been observed in individual(s) with left ventricular noncompaction cardiomyopathy (PMID: 29029073). This variant is located in the A band of TTN (PMID: 25589632). Truncating variants in this region are significantly overrepresented in patients affected with dilated cardiomyopathy (PMID: 25589632). Truncating variants in this region have also been reported in individuals affected with autosomal recessive centronuclear myopathy (PMID: 23975875). In summary, the currently available evidence indicates that the variant is pathogenic, but additional data are needed to prove that conclusively. Therefore, this variant has been classified as Likely Pathogenic.

Literature cited by the submitters: PubMed 29029073; PubMed 25589632; PubMed 23975875.